The following is an entry in ClinVar:

ClinVar aggregate classification (germline): Conflicting classifications of pathogenicity. Review status: criteria provided, conflicting classifications (1 of 4 stars). 4 submissions from 4 submitters: Uncertain significance (3); Likely benign (1). Last evaluated 2025-03-11.

Conditions:
Autosomal recessive limb-girdle muscular dystrophy type 2J (LGMDR10). Also called: Limb-girdle muscular dystrophy, type 2J; MUSCULAR DYSTROPHY, LIMB-GIRDLE, AUTOSOMAL RECESSIVE 10. Identifiers: Orphanet 140922, MedGen C1837342, MONDO:0012127, OMIM 608807.
Dilated cardiomyopathy 1G (CMD1G). Identifiers: Orphanet 154, MedGen C1858763, MONDO:0011400, OMIM 604145.
TTN-related disorder. Also called: TTN-related condition; TTN-related disease; TTN-related disorders.

Allele frequency attached by ClinVar (database versions not stated): gnomAD exomes below 0.00001 and 0.00003; ExAC 0.00004; gnomAD 0.00004; TOPMed 0.00004; ESP Exome Variant Server 0.00017; 1000 Genomes Project 0.00040; 1000 Genomes Project 30x 0.00047.
gnomAD v4.1: 12 of 1,613,512 alleles (0.00074%); highest among the groups gnomAD compares: African/African-American, 0.012%; no homozygotes.

Submissions (4):

PreventionGenetics, part of Exact Sciences
Classification: Uncertain significance for TTN-related condition. Last evaluated: 2025-03-11. Review status: criteria provided, single submitter. Criteria: ACMG Guidelines, 2015. Collection method: clinical testing. Allele origin: germline.
Comment: The TTN c.81545T>A variant is predicted to result in the amino acid substitution p.Ile27182Asn. To our knowledge, this variant has not been reported in the literature. This variant is reported in 0.037% of alleles in individuals of African descent in gnomAD. At this time, the clinical significance of this variant is uncertain due to the absence of conclusive functional and genetic evidence.

Revvity Omics, Revvity
Classification: Uncertain significance. Last evaluated: 2024-04-03. Review status: criteria provided, single submitter. Criteria: ACMG Guidelines, 2015. Collection method: clinical testing. Allele origin: germline.

GeneDx
Classification: Likely benign. Last evaluated: 2019-07-08. Review status: criteria provided, single submitter. Criteria: GeneDx Variant Classification Process June 2021. Collection method: clinical testing. Allele origin: germline. Affected: yes.

Labcorp Genetics (formerly Invitae), Labcorp
Classification: Uncertain significance for Dilated cardiomyopathy 1G; Autosomal recessive limb-girdle muscular dystrophy type 2J. Last evaluated: 2017-02-09. Review status: criteria provided, single submitter. Criteria: Invitae Variant Classification Sherloc (09022015). Collection method: clinical testing. Allele origin: germline.

NM_001267550.2(TTN):c.81545T>A (p.Ile27182Asn)

Genes: TTN (titin; minus strand), TTN-AS1 (TTN antisense RNA 1; plus strand). Cytogenetic location: 2q31.2.
Variant type: single nucleotide variant.
Coding change: c.81545T>A on transcript NM_001267550.2 (MANE Select); coding-DNA position 81545, T replaced by A.
Protein change: p.Ile27182Asn; replaces isoleucine 27182 with asparagine.
Molecular consequence: missense variant.
Genome position (GRCh38, 1-based): chr2:178,564,587, A>T on the plus strand (T>A on the coding strand, the complement: TTN is on the minus strand). VCF-style: chr2-178564587-A-T. GRCh37 (hg19) VCF-style: chr2-179429314-A-T.
Other names: c.76622T>A, p.Ile25541Asn (NM_001256850.1); c.54350T>A, p.Ile18117Asn (NM_003319.4); c.73841T>A, p.Ile24614Asn (NM_133378.4); c.54725T>A, p.Ile18242Asn (NM_133432.3); c.54926T>A, p.Ile18309Asn (NM_133437.4); short protein forms I27182N, I18117N, I18309N, I25541N, I18242N, I24614N.
Identifiers: ClinVar variation 467537 (VCV000467537.8), dbSNP rs373448447, ClinGen allele CA1989192.